The following is an entry in ClinVar:

ClinVar aggregate classification (germline): Conflicting classifications of pathogenicity. Review status: criteria provided, conflicting classifications (1 of 4 stars). 2 submissions from 2 submitters: Uncertain significance (1); Likely benign (1). Last evaluated 2024-03-27.

Conditions:
Ataxia-telangiectasia-like disorder (ATLD). Identifiers: MedGen C1858391, MONDO:0011457.
Hereditary cancer-predisposing syndrome. Also called: Hereditary Cancer Syndrome; Neoplastic Syndromes, Hereditary; Tumor predisposition; Hereditary neoplastic syndrome. Identifiers: Orphanet 140162, MedGen C0027672, MeSH D009386, MONDO:0015356.

Allele frequency attached by ClinVar (database versions not stated): gnomAD exomes below 0.00001.
gnomAD v4.1: 2 of 1,613,842 alleles (0.00012%); highest among the groups gnomAD compares: Admixed American, 0.0017%; no homozygotes.

Submissions (2):

Ambry Genetics
Classification: Likely benign for Hereditary cancer-predisposing syndrome. Last evaluated: 2024-03-27. Review status: criteria provided, single submitter. Criteria: Ambry Variant Classification Scheme 2023. Collection method: clinical testing. Allele origin: germline.

Labcorp Genetics (formerly Invitae), Labcorp
Classification: Uncertain significance for Ataxia-telangiectasia-like disorder. Last evaluated: 2022-08-23. Review status: criteria provided, single submitter. Criteria: Invitae Variant Classification Sherloc (09022015). Collection method: clinical testing. Allele origin: germline.
Comment: This sequence change replaces threonine, which is neutral and polar, with serine, which is neutral and polar, at codon 425 of the MRE11 protein (p.Thr425Ser). This variant is present in population databases (no rsID available, gnomAD 0.003%). This variant has not been reported in the literature in individuals affected with MRE11-related conditions. ClinVar contains an entry for this variant (Variation ID: 479716). Algorithms developed to predict the effect of missense changes on protein structure and function (SIFT, PolyPhen-2, Align-GVGD) all suggest that this variant is likely to be tolerated. In summary, the available evidence is currently insufficient to determine the role of this variant in disease. Therefore, it has been classified as a Variant of Uncertain Significance.

NM_005591.4(MRE11):c.1273A>T (p.Thr425Ser)

Gene: MRE11 (MRE11 double strand break repair nuclease; minus strand). Cytogenetic location: 11q21.
Variant type: single nucleotide variant.
Coding change: c.1273A>T on transcript NM_005591.4 (MANE Select); coding-DNA position 1273, A replaced by T.
Protein change: p.Thr425Ser; replaces threonine 425 with serine.
Molecular consequence: missense variant.
Genome position (GRCh38, 1-based): chr11:94,460,989, T>A on the plus strand (A>T on the coding strand, the complement: MRE11 is on the minus strand). VCF-style: chr11-94460989-T-A. GRCh37 (hg19) VCF-style: chr11-94194155-T-A.
Other names: c.1273A>T, p.Thr425Ser (NM_001330347.2, NM_005590.4); short protein forms T425S.
Identifiers: ClinVar variation 479716 (VCV000479716.14), dbSNP rs1293831035, ClinGen allele CA382372380.
Genomic context (GRCh38, chr11:94,460,989, plus strand): 5'-AAATTACCTTCTCTGCGGTTTGAAAGTACTGTTTTACAAGATCTTCTACCCTTAAAGTTG[T>A]TCCTTCTGAAGGCTTTGTGATAAGTTTCCCAAAGTTGATCTCTTCTCCTAGAAAAAAAGA-3'
Protein context (NP_005582.1, residues 415-435): GKLITKPSEG[Thr425Ser]TLRVEDLVKQ